The following is an entry in ClinVar:

NM_001042517.2(DIAPH3):c.685C>G (p.Leu229Val)

Genes: DIAPH3 (diaphanous related formin 3; minus strand), DIAPH3-AS1 (DIAPH3 antisense RNA 1; plus strand). Cytogenetic location: 13q21.2.
Variant type: single nucleotide variant.
Coding change: c.685C>G on transcript NM_001042517.2 (MANE Select); coding-DNA position 685, C replaced by G.
Protein change: p.Leu229Val; replaces leucine 229 with valine.
Molecular consequence: missense variant.
Genome position (GRCh38, 1-based): chr13:60,016,087, G>C on the plus strand (C>G on the coding strand, the complement: DIAPH3 is on the minus strand). VCF-style: chr13-60016087-G-C. GRCh37 (hg19) VCF-style: chr13-60590221-G-C.
Other names: c.652C>G, p.Leu218Val (NM_001258366.2); c.547C>G, p.Leu183Val (NM_001258367.2); c.475C>G, p.Leu159Val (NM_001258368.2); c.685C>G, p.Leu229Val (NM_001258369.2); short protein forms L229V, L159V, L218V, L183V.
Identifiers: ClinVar variation 1440363 (VCV001440363.6), dbSNP rs368324182, ClinGen allele CA388336551.

ClinVar aggregate classification (germline): Uncertain significance (1 of 4 stars; one submission).

Submission:

Labcorp Genetics (formerly Invitae), Labcorp
Classification: Uncertain significance. Last evaluated: 2022-08-16. Review status: criteria provided, single submitter. Criteria: Invitae Variant Classification Sherloc (09022015). Collection method: clinical testing. Allele origin: germline.
Comment: In summary, the available evidence is currently insufficient to determine the role of this variant in disease. Therefore, it has been classified as a Variant of Uncertain Significance. Algorithms developed to predict the effect of missense changes on protein structure and function are either unavailable or do not agree on the potential impact of this missense change (SIFT: "Deleterious"; PolyPhen-2: "Probably Damaging"; Align-GVGD: "Class C0"). ClinVar contains an entry for this variant (Variation ID: 1440363). This variant has not been reported in the literature in individuals affected with DIAPH3-related conditions. This variant is not present in population databases (gnomAD no frequency). This sequence change replaces leucine, which is neutral and non-polar, with valine, which is neutral and non-polar, at codon 229 of the DIAPH3 protein (p.Leu229Val).